The following is an entry in ClinVar:

NM_003482.4(KMT2D):c.6276C>T (p.Asp2092=)

Gene: KMT2D (lysine methyltransferase 2D; minus strand). Cytogenetic location: 12q13.12.
Variant type: single nucleotide variant.
Coding change: c.6276C>T on transcript NM_003482.4 (MANE Select); coding-DNA position 6276, C replaced by T.
Protein change: p.Asp2092=; no amino-acid change (aspartic acid 2092 retained).
Molecular consequence: synonymous variant.
Genome position (GRCh38, 1-based): chr12:49,041,494, G>A on the plus strand (C>T on the coding strand, the complement: KMT2D is on the minus strand). VCF-style: chr12-49041494-G-A. GRCh37 (hg19) VCF-style: chr12-49435277-G-A.
Identifiers: ClinVar variation 1337661 (VCV001337661.4), dbSNP rs1388239595, ClinGen allele CA479712510.

ClinVar aggregate classification (germline): Uncertain significance (1 of 4 stars; one submission).

Allele frequency attached by ClinVar (database versions not stated): TOPMed 0.00001.

Submission:

Genetic Services Laboratory, University of Chicago
Classification: Uncertain significance. Last evaluated: 2020-06-01. Review status: criteria provided, single submitter. Criteria: ACMG Guidelines, 2015. Collection method: clinical testing. Allele origin: germline. Affected: no.
Comment: DNA sequence analysis of the KMT2D gene demonstrated a sequence change, c.6276C>T, in exon 31 which does not result in an amino acid change. This sequence change does not appear to have been previously described in patients with KMT2D-related disorders and has not been described in the large population databases such as EXAC or gnomAD (dbSNP rs1388239595). This sequence change is not predicted to have a deleterious effect on splicing based on in silico splice prediction programs. As the c.6276C>T sequence change does not result in a change in the KMT2D amino acid sequence, it is possible that this change is non-pathogenic and represents a benign sequence variant of the KMT2D gene, however functional studies have not been performed to prove this conclusively. The functional significance of this sequence change is not known at present and its contribution to this patient's disease phenotype cannot definitively be determined.